The following is an entry in ClinVar:

NM_021267.5(CERS1):c.219_220insGGCTGGACCGCGCTG (p.Leu73_Arg74insGlyTrpThrAlaLeu)

Genes: CERS1 (ceramide synthase 1; minus strand), GDF1 (growth differentiation factor 1; minus strand). Cytogenetic location: 19p13.11.
Variant type: Insertion.
Coding change: c.219_220insGGCTGGACCGCGCTG on transcript NM_021267.5 (MANE Select); coding-DNA positions 219 to 220, GGCTGGACCGCGCTG inserted.
Protein change: p.Leu73_Arg74insGlyTrpThrAlaLeu.
Molecular consequence: inframe insertion. On other transcripts: 5 prime UTR variant (4), intron variant (3).
Genome position: GRCh38 VCF-style: chr19-18895853-G-GCAGCGCGGTCCAGCC. GRCh37 (hg19) VCF-style: chr19-19006662-G-GCAGCGCGGTCCAGCC.
Other names: c.219_220insGGCTGGACCGCGCTG, p.Leu73_Arg74insGlyTrpThrAlaLeu (NM_001387439.1, NM_001387440.1, NM_001387441.1 and 1 more transcripts); c.-310_-309insGGCTGGACCGCGCTG (NM_001387444.1); c.-257_-256insGGCTGGACCGCGCTG (NM_001387445.1); c.-684_-683insGGCTGGACCGCGCTG (NM_001387438.1); c.-1104_-1103insGGCTGGACCGCGCTG (NM_001492.6); c.-46+872_-46+873insCTGGGCTGGACCGCG (NM_001387443.1); c.-46+707_-46+708insCTGGGCTGGACCGCG (NM_001387442.1, NM_001290265.2).
Identifiers: ClinVar variation 947261 (VCV000947261.9), dbSNP rs2056612675, ClinGen allele CA1139666381.

ClinVar aggregate classification (germline): Uncertain significance (1 of 4 stars; one submission).

Conditions:
Progressive myoclonic epilepsy type 8. Identifiers: Orphanet 424027, MedGen C5190825, MONDO:0014545, OMIM 616230.

Submission:

Labcorp Genetics (formerly Invitae), Labcorp
Classification: Uncertain significance for Progressive myoclonic epilepsy type 8. Last evaluated: 2022-01-14. Review status: criteria provided, single submitter. Criteria: Invitae Variant Classification Sherloc (09022015). Collection method: clinical testing. Allele origin: germline.
Comment: This variant is not present in population databases (gnomAD no frequency). This variant, c.219_220insGGCTGGACCGCGCTG, results in the insertion of 5 amino acid(s) of the CERS1 protein (p.Gly69_Leu73dup), but otherwise preserves the integrity of the reading frame. This variant has not been reported in the literature in individuals affected with CERS1-related conditions. ClinVar contains an entry for this variant (Variation ID: 947261). Experimental studies and prediction algorithms are not available or were not evaluated, and the functional significance of this variant is currently unknown. In summary, the available evidence is currently insufficient to determine the role of this variant in disease. Therefore, it has been classified as a Variant of Uncertain Significance.